The following is an entry in ClinVar:

ClinVar aggregate classification (germline): Uncertain significance (1 of 4 stars; one submission).

Conditions:
Nephronophthisis. Also called: Juvenile Nephronophthisis. Identifiers: Orphanet 655, MedGen C0687120, MONDO:0019005, HP:0000090.

gnomAD v4.1: 1 of 1,613,214 alleles (0.000062%); highest among the groups gnomAD compares: Non-Finnish European, 0.000085%; no homozygotes.

Submission:

Labcorp Genetics (formerly Invitae), Labcorp
Classification: Uncertain significance for Nephronophthisis. Last evaluated: 2022-03-23. Review status: criteria provided, single submitter. Criteria: Invitae Variant Classification Sherloc (09022015). Collection method: clinical testing. Allele origin: germline.
Comment: In summary, the available evidence is currently insufficient to determine the role of this variant in disease. Therefore, it has been classified as a Variant of Uncertain Significance. Algorithms developed to predict the effect of missense changes on protein structure and function are either unavailable or do not agree on the potential impact of this missense change (SIFT: "Deleterious"; PolyPhen-2: "Probably Damaging"; Align-GVGD: "Class C0"). This variant has not been reported in the literature in individuals affected with NPHP4-related conditions. This variant is not present in population databases (gnomAD no frequency). This sequence change replaces cysteine, which is neutral and slightly polar, with phenylalanine, which is neutral and non-polar, at codon 1174 of the NPHP4 protein (p.Cys1174Phe).

NM_015102.5(NPHP4):c.3521G>T (p.Cys1174Phe)

Gene: NPHP4 (nephrocystin 4; minus strand). Cytogenetic location: 1p36.31.
Variant type: single nucleotide variant.
Coding change: c.3521G>T on transcript NM_015102.5 (MANE Select); coding-DNA position 3521, G replaced by T.
Protein change: p.Cys1174Phe; replaces cysteine 1174 with phenylalanine.
Molecular consequence: missense variant. On other transcripts: non-coding transcript variant (1).
Genome position (GRCh38, 1-based): chr1:5,867,067, C>A on the plus strand (G>T on the coding strand, the complement: NPHP4 is on the minus strand). VCF-style: chr1-5867067-C-A. GRCh37 (hg19) VCF-style: chr1-5927127-C-A.
Other names: c.1982G>T, p.Cys661Phe (NM_001291593.2); c.1985G>T, p.Cys662Phe (NM_001291594.2); short protein forms C661F, C1174F, C662F.
Identifiers: ClinVar variation 2088497 (VCV002088497.4), dbSNP rs1641309754, ClinGen allele CA338051186.